The following is an entry in ClinVar:

NC_000023.11:g.71366342C>T

Gene: TAF1 (TATA-box binding protein associated factor 1; plus strand). Cytogenetic location: Xq13.1.
Variant type: single nucleotide variant.
Genome position: GRCh38 VCF-style: chrX-71366342-C-T. GRCh37 (hg19) VCF-style: chrX-70586192-C-T.
Identifiers: ClinVar variation 2873732 (VCV002873732.3), dbSNP rs2519960912, ClinGen allele CA413502301.

ClinVar aggregate classification (germline): Uncertain significance (1 of 4 stars; one submission).

Submission:

Labcorp Genetics (formerly Invitae), Labcorp
Classification: Uncertain significance. Last evaluated: 2023-10-05. Review status: criteria provided, single submitter. Criteria: Invitae Variant Classification Sherloc (09022015). Collection method: clinical testing. Allele origin: germline.
Comment: This sequence change replaces arginine, which is basic and polar, with tryptophan, which is neutral and slightly polar, at codon 10 of the TAF1 protein (p.Arg10Trp). This variant is not present in population databases (gnomAD no frequency). This variant has not been reported in the literature in individuals affected with TAF1-related conditions. An algorithm developed to predict the effect of missense changes on protein structure and function (PolyPhen-2) suggests that this variant is likely to be tolerated. In summary, the available evidence is currently insufficient to determine the role of this variant in disease. Therefore, it has been classified as a Variant of Uncertain Significance.